The following is an entry in ClinVar:

ClinVar aggregate classification (germline): Uncertain significance. Review status: criteria provided, multiple submitters, no conflicts (2 of 4 stars). 2 submissions from 2 submitters: Uncertain significance (2). Last evaluated 2022-07-28.

Conditions:
Hereditary nonpolyposis colorectal neoplasms. Identifiers: MedGen C0009405, MeSH D003123.
Hereditary cancer-predisposing syndrome. Also called: Hereditary Cancer Syndrome; Tumor predisposition; Neoplastic Syndromes, Hereditary; Hereditary neoplastic syndrome. Identifiers: Orphanet 140162, MedGen C0027672, MeSH D009386, MONDO:0015356.

Submissions (2):

Ambry Genetics
Classification: Uncertain significance for Hereditary cancer-predisposing syndrome. Last evaluated: 2022-07-28. Review status: criteria provided, single submitter. Criteria: Ambry Variant Classification Scheme 2023. Collection method: clinical testing. Allele origin: germline.
Comment: The c.2440_2442delAAG variant (also known as p.K814del) is located in coding exon 4 of the MSH6 gene. This variant results from an in-frame AAG deletion at nucleotide positions 2440 to 2442. This results in the in-frame deletion of a lysine at codon 814. This amino acid position is highly conserved in available vertebrate species. Since supporting evidence is limited at this time, the clinical significance of this alteration remains unclear.

Labcorp Genetics (formerly Invitae), Labcorp
Classification: Uncertain significance for Hereditary nonpolyposis colorectal neoplasms. Last evaluated: 2020-04-13. Review status: criteria provided, single submitter. Criteria: Invitae Variant Classification Sherloc (09022015). Collection method: clinical testing. Allele origin: germline.
Comment: In summary, the available evidence is currently insufficient to determine the role of this variant in disease. Therefore, it has been classified as a Variant of Uncertain Significance. Experimental studies and prediction algorithms are not available or were not evaluated, and the functional significance of this variant is currently unknown. This variant has not been reported in the literature in individuals with MSH6-related conditions. This variant is not present in population databases (ExAC no frequency). This variant, c.2440_2442del, results in the deletion of 1 amino acid(s) of the MSH6 protein (p.Lys814del), but otherwise preserves the integrity of the reading frame.

NM_000179.3(MSH6):c.2437AAG[1] (p.Lys814del)

Gene: MSH6 (mutS homolog 6; plus strand). Cytogenetic location: 2p16.3.
Variant type: Microsatellite.
Coding change: c.2437AAG[1] on transcript NM_000179.3 (MANE Select); one copy of the 3-base unit AAG starting at c.2437; the reference has two copies in a row; one copy, 3 bases deleted.
Protein change: p.Lys814del; deletes lysine 814.
Molecular consequence: inframe deletion.
Genome position (GRCh38, 1-based): chr2:47,800,423-47,800,425, AAG deleted; deleting any 3 consecutive bases within chr2:47,800,420-47,800,425 gives the same sequence; the position shown is the placement nearest the transcript's 3' end. VCF-style (leftmost placement, unchanged base first): chr2-47800419-AAAG-A. GRCh37 (hg19) VCF-style: chr2-48027558-AAAG-A.
Other names: c.2047AAG[1], p.Lys684del (NM_001281492.2); c.1531AAG[1], p.Lys512del (NM_001281493.2, NM_001281494.2); short protein forms K512del, K684del, K814del.
Identifiers: ClinVar variation 1015359 (VCV001015359.11), dbSNP rs1669464545, ClinGen allele CA2496049482.